The following is an entry in ClinVar:

NM_000384.3(APOB):c.3122-6G>A

Gene: APOB (apolipoprotein B; minus strand). Cytogenetic location: 2p24.1.
Variant type: single nucleotide variant.
Coding change: c.3122-6G>A on transcript NM_000384.3 (MANE Select); 6 bases into the intron before coding-DNA position 3122, G replaced by A.
Molecular consequence: intron variant.
Genome position (GRCh38, 1-based): chr2:21,016,655, C>T on the plus strand (G>A on the coding strand, the complement: APOB is on the minus strand). VCF-style: chr2-21016655-C-T. GRCh37 (hg19) VCF-style: chr2-21239527-C-T.
Other names: p.?.
Identifiers: ClinVar variation 255982 (VCV000255982.60), dbSNP rs72653071, ClinGen allele CA058073.

ClinVar aggregate classification (germline): Conflicting classifications of pathogenicity. Review status: criteria provided, conflicting classifications (1 of 4 stars). 14 submissions from 13 submitters: Uncertain significance (3); Benign (1); Likely benign (8). 2 of the submissions do not count toward it. Last evaluated 2026-09-01.

Conditions:
Familial hypobetalipoproteinemia 1. Also called: Hypobetalipoproteinemia, normotriglyceridemic; Acanthocytosis with hypobetalipoproteinemia; APOB-Related Familial Hypobetalipoproteinemia. Identifiers: MedGen C4551990, MONDO:0014252, OMIM 615558.
Hypercholesterolemia, autosomal dominant, type B (FHCL2). Also called: APOB-Related Familial Hypercholesterolemia, Autosomal Dominant; Familial hypercholesterolemia 2; APOLIPOPROTEIN B-100, FAMILIAL DEFECTIVE; APOLIPOPROTEIN B-100, FAMILIAL LIGAND-DEFECTIVE; Familial Hypercholesterolemia Type B; Hyperlipoproteinemia Type IIb. Identifiers: MedGen C1704417, MONDO:0007751, OMIM 144010.
Hypercholesterolemia, familial, 1. Also called: LDL RECEPTOR DISORDER; Hyperlipoproteinemia Type IIa; HYPER-LOW-DENSITY-LIPOPROTEINEMIA; HYPERCHOLESTEROLEMIC XANTHOMATOSIS, FAMILIAL; Fredrickson type IIa hyperlipoproteinemia; Hyperlipoproteinemia type 2. Identifiers: Orphanet 391665, MedGen C0745103, MONDO:0007750, OMIM 143890.

Allele frequency attached by ClinVar (database versions not stated): 1000 Genomes Project 30x 0.00062; TOPMed 0.00062; 1000 Genomes Project 0.00080; ESP Exome Variant Server 0.00092.
gnomAD v4.1: 1,745 of 1,573,376 alleles (0.11%); highest among the groups gnomAD compares: South Asian, 0.16%; 4 homozygotes.

Submissions (14):

CeGaT Center for Human Genetics Tuebingen
Classification: Likely benign. Last evaluated: 2026-09-01. Review status: criteria provided, single submitter. Criteria: CeGaT Center For Human Genetics Tuebingen Variant Classification Criteria Version 2. Collection method: clinical testing. Allele origin: germline. Affected: yes. Observed: 11 variant alleles.
Comment: APOB: BP4, BS1

Labcorp Genetics (formerly Invitae), Labcorp
Classification: Benign for Familial hypobetalipoproteinemia 1; Hypercholesterolemia, autosomal dominant, type B. Last evaluated: 2026-02-02. Review status: criteria provided, single submitter. Criteria: Invitae Variant Classification Sherloc (09022015). Collection method: clinical testing. Allele origin: germline.

Quest Diagnostics Nichols Institute San Juan Capistrano
Classification: Likely benign. Last evaluated: 2025-09-10. Review status: criteria provided, single submitter. Criteria: Quest Diagnostics criteria. Collection method: clinical testing. Allele origin: unknown.

Mayo Clinic Laboratories, Mayo Clinic
Classification: Likely benign. Last evaluated: 2025-08-13. Review status: criteria provided, single submitter. Criteria: ACMG Guidelines, 2015. Collection method: clinical testing. Allele origin: germline. Observed: 3 variant alleles.
Comment: BS1, BP4, BP7

Molecular Diagnostic Laboratory for Inherited Cardiovascular Disease, Montreal Heart Institute
Classification: Likely benign. Last evaluated: 2025-04-09. Review status: criteria provided, single submitter. Criteria: ACMG Guidelines, 2015. Collection method: clinical testing. Allele origin: germline. Affected: no.

ARUP Laboratories, Molecular Genetics and Genomics, ARUP Laboratories
Classification: Likely benign. Last evaluated: 2025-03-06. Review status: criteria provided, single submitter. Criteria: ARUP Molecular Germline Variant Investigation Process 2024. Collection method: clinical testing. Allele origin: germline.

Blueprint Genetics
Classification: Likely benign. Last evaluated: 2024-11-14. Review status: criteria provided, single submitter. Criteria: ACMG Guidelines, 2015. Collection method: clinical testing. Allele origin: germline.

GeneDx
Classification: Likely benign. Last evaluated: 2020-07-08. Review status: criteria provided, single submitter. Criteria: GeneDx Variant Classification Process June 2021. Collection method: clinical testing. Allele origin: germline. Affected: yes.

Illumina Laboratory Services, Illumina
Classification: Uncertain significance for Familial hypobetalipoproteinemia 1. Last evaluated: 2018-01-13. Review status: criteria provided, single submitter. Criteria: ICSL Variant Classification Criteria 13 December 2019. Collection method: clinical testing. Allele origin: germline.

Illumina Laboratory Services, Illumina
Classification: Uncertain significance for Hypercholesterolemia, autosomal dominant, type B. Last evaluated: 2018-01-13. Review status: criteria provided, single submitter. Criteria: ICSL Variant Classification Criteria 13 December 2019. Collection method: clinical testing. Allele origin: germline.

Robarts Research Institute, Western University
Classification: Uncertain significance for Hypercholesterolemia, familial, 1. Last evaluated: 2018-01-02. Review status: criteria provided, single submitter. Criteria: ACMG Guidelines, 2015. Collection method: clinical testing. Allele origin: germline. Inheritance: Autosomal dominant inheritance. Affected: yes.

PreventionGenetics, part of Exact Sciences
Classification: Likely benign. Review status: criteria provided, single submitter. Criteria: ACMG Guidelines, 2015. Collection method: clinical testing. Allele origin: germline.

Clinical Genetics DNA and cytogenetics Diagnostics Lab, Erasmus MC, Erasmus Medical Center
Classification: Likely benign. Review status: no assertion criteria provided. Collection method: clinical testing. Allele origin: germline. Affected: yes. Study: VKGL Data-share Consensus. Not counted in ClinVar's aggregate classification.

Clinical Genetics, Academic Medical Center
Classification: Likely benign. Review status: no assertion criteria provided. Collection method: clinical testing. Allele origin: germline. Affected: yes. Study: VKGL Data-share Consensus. Not counted in ClinVar's aggregate classification.

Literature cited by the submitters: PubMed 35047021 (cited by Quest Diagnostics Nichols Institute San Juan Capistrano); PubMed 37937776 (cited by Quest Diagnostics Nichols Institute San Juan Capistrano); PubMed 34456049 (cited by Quest Diagnostics Nichols Institute San Juan Capistrano); PubMed 36648309 (cited by Quest Diagnostics Nichols Institute San Juan Capistrano).